The following is an entry in ClinVar:

ClinVar aggregate classification (germline): Uncertain significance (1 of 4 stars; one submission).

Allele frequency attached by ClinVar (database versions not stated): ExAC 0.00002; gnomAD exomes 0.00005; gnomAD 0.00011 and 0.00013; TOPMed 0.00015.
gnomAD v4.1: 43 of 1,613,982 alleles (0.0027%); highest among the groups gnomAD compares: African/African-American, 0.031%; no homozygotes.

Submission:

Labcorp Genetics (formerly Invitae), Labcorp
Classification: Uncertain significance. Last evaluated: 2022-07-05. Review status: criteria provided, single submitter. Criteria: Invitae Variant Classification Sherloc (09022015). Collection method: clinical testing. Allele origin: germline.
Comment: In summary, the available evidence is currently insufficient to determine the role of this variant in disease. Therefore, it has been classified as a Variant of Uncertain Significance. Algorithms developed to predict the effect of missense changes on protein structure and function are either unavailable or do not agree on the potential impact of this missense change (SIFT: "Deleterious"; PolyPhen-2: "Benign"; Align-GVGD: "Class C0"). ClinVar contains an entry for this variant (Variation ID: 1435231). This variant has not been reported in the literature in individuals affected with NDUFS3-related conditions. This variant is present in population databases (rs9600, gnomAD 0.05%). This sequence change replaces proline, which is neutral and non-polar, with leucine, which is neutral and non-polar, at codon 249 of the NDUFS3 protein (p.Pro249Leu).

NM_004551.3(NDUFS3):c.746C>T (p.Pro249Leu)

Gene: NDUFS3 (NADH:ubiquinone oxidoreductase core subunit S3; plus strand). Cytogenetic location: 11p11.2.
Variant type: single nucleotide variant.
Coding change: c.746C>T on transcript NM_004551.3 (MANE Select); coding-DNA position 746, C replaced by T.
Protein change: p.Pro249Leu; replaces proline 249 with leucine.
Molecular consequence: missense variant.
Genome position (GRCh38, 1-based): chr11:47,584,432, C>T. VCF-style: chr11-47584432-C-T. GRCh37 (hg19) VCF-style: chr11-47605984-C-T.
Other names: short protein forms P249L.
Identifiers: ClinVar variation 1435231 (VCV001435231.6), dbSNP rs9600, ClinGen allele CA5978087.
Genomic context (GRCh38, chr11:47,584,432, plus strand): 5'-AGTTCCGCAAATTTGACCTGAACAGCCCCTGGGAGGCTTTCCCAGTCTATCGCCAACCCC[C>T]GGAGAGTCTCAAGCTTGAAGCCGGAGACAAGAAGCCTGATGCCAAGTAGCTCCAGGGAAC-3'
Protein context (NP_004542.1, residues 239-259): WEAFPVYRQP[Pro249Leu]ESLKLEAGDK